The following is an entry in ClinVar:

ClinVar aggregate classification (germline): Uncertain significance (1 of 4 stars; one submission).

Allele frequency attached by ClinVar (database versions not stated): gnomAD exomes below 0.00001 and 0.00001; TOPMed below 0.00001; ExAC 0.00001; gnomAD 0.00001.
gnomAD v4.1: 11 of 1,614,022 alleles (0.00068%); highest among the groups gnomAD compares: Non-Finnish European, 0.00093%; no homozygotes.

Submission:

Labcorp Genetics (formerly Invitae), Labcorp
Classification: Uncertain significance. Last evaluated: 2021-11-05. Review status: criteria provided, single submitter. Criteria: Invitae Variant Classification Sherloc (09022015). Collection method: clinical testing. Allele origin: germline.
Comment: This sequence change replaces threonine, which is neutral and polar, with isoleucine, which is neutral and non-polar, at codon 554 of the ZNF341 protein (p.Thr554Ile). This variant is present in population databases (rs751837080, gnomAD 0.0009%). This variant has not been reported in the literature in individuals affected with ZNF341-related conditions. Algorithms developed to predict the effect of missense changes on protein structure and function are either unavailable or do not agree on the potential impact of this missense change (SIFT: "Deleterious"; PolyPhen-2: "Probably Damaging"; Align-GVGD: "Class C0"). In summary, the available evidence is currently insufficient to determine the role of this variant in disease. Therefore, it has been classified as a Variant of Uncertain Significance.

NM_001282933.2(ZNF341):c.1682C>T (p.Thr561Ile)

Gene: ZNF341 (zinc finger protein 341; plus strand). Cytogenetic location: 20q11.22.
Variant type: single nucleotide variant.
Coding change: c.1682C>T on transcript NM_001282933.2 (MANE Select); coding-DNA position 1682, C replaced by T.
Protein change: p.Thr561Ile; replaces threonine 561 with isoleucine.
Molecular consequence: missense variant.
Genome position (GRCh38, 1-based): chr20:33,781,350, C>T. VCF-style: chr20-33781350-C-T. GRCh37 (hg19) VCF-style: chr20-32369156-C-T.
Other names: c.1412C>T, p.Thr471Ile (NM_001282935.2); c.1661C>T, p.Thr554Ile (NM_032819.5); short protein forms T471I, T561I, T554I.
Identifiers: ClinVar variation 1507138 (VCV001507138.6), dbSNP rs751837080, ClinGen allele CA9819511.